The following is an entry in ClinVar:

NM_000238.4(KCNH2):c.1754G>A (p.Trp585Ter)

Gene: KCNH2 (potassium voltage-gated channel subfamily H member 2; minus strand). Cytogenetic location: 7q36.1.
Variant type: single nucleotide variant.
Coding change: c.1754G>A on transcript NM_000238.4 (MANE Select); coding-DNA position 1754, G replaced by A.
Protein change: p.Trp585Ter; replaces tryptophan 585 with a stop codon.
Molecular consequence: nonsense. On other transcripts: non-coding transcript variant (2).
Genome position (GRCh38, 1-based): chr7:150,951,639, C>T on the plus strand (G>A on the coding strand, the complement: KCNH2 is on the minus strand). VCF-style: chr7-150951639-C-T. GRCh37 (hg19) VCF-style: chr7-150648727-C-T.
Other names: c.734G>A, p.Trp245Ter (NM_001204798.2, NM_172057.3); c.1466G>A, p.Trp489Ter (NM_001406753.1, NM_001406756.1); c.1577G>A, p.Trp526Ter (NM_001406755.1); c.1454G>A, p.Trp485Ter (NM_001406757.1); c.1754G>A, p.Trp585Ter (NM_172056.3); short protein forms W245*, W485*, W489*, W526*, W585*.
Identifiers: ClinVar variation 2665002 (VCV002665002.3), dbSNP rs794728484, ClinGen allele CA369858131.

ClinVar aggregate classification (germline): Likely pathogenic (1 of 4 stars; one submission).

Conditions:
Long QT syndrome 2 (LQT2). Identifiers: Orphanet 101016, Orphanet 768, MedGen C3150943, MONDO:0013367, OMIM 613688.

Submission:

Institute of Human Genetics, University of Leipzig Medical Center
Classification: Likely pathogenic for Long QT syndrome 2. Last evaluated: 2023-11-09. Review status: criteria provided, single submitter. Criteria: ACMG Guidelines, 2015. Collection method: clinical testing. Allele origin: maternal. Inheritance: Autosomal dominant inheritance. Affected: yes.
Comment: Criteria applied: PVS1,PM2_SUP